The following is an entry in ClinVar:

NM_003114.5(SPAG1):c.670G>T (p.Asp224Tyr)

Gene: SPAG1 (sperm associated antigen 1; plus strand). Cytogenetic location: 8q22.2.
Variant type: single nucleotide variant.
Coding change: c.670G>T on transcript NM_003114.5 (MANE Select); coding-DNA position 670, G replaced by T.
Protein change: p.Asp224Tyr; replaces aspartic acid 224 with tyrosine.
Molecular consequence: missense variant.
Genome position (GRCh38, 1-based): chr8:100,184,702, G>T. VCF-style: chr8-100184702-G-T. GRCh37 (hg19) VCF-style: chr8-101196930-G-T.
Other names: c.670G>T, p.Asp224Tyr (NM_001374321.1, NM_172218.3); short protein forms D224Y.
Identifiers: ClinVar variation 3703584 (VCV003703584.2).

ClinVar aggregate classification (germline): Uncertain significance (1 of 4 stars; one submission).

Conditions:
Primary ciliary dyskinesia 28. Also called: CILIARY DYSKINESIA, PRIMARY, 28, WITH OR WITHOUT SITUS INVERSUS. Identifiers: Orphanet 244, MedGen C3809706, MONDO:0014216, OMIM 615505.

gnomAD v4.1: 49 of 1,588,416 alleles (0.0031%); highest among the groups gnomAD compares: Non-Finnish European, 0.004%; no homozygotes.

Submission:

Labcorp Genetics (formerly Invitae), Labcorp
Classification: Uncertain significance for Primary ciliary dyskinesia 28. Last evaluated: 2025-11-02. Review status: criteria provided, single submitter. Criteria: Invitae Variant Classification Sherloc (09022015). Collection method: clinical testing. Allele origin: germline.
Comment: This sequence change replaces aspartic acid, which is acidic and polar, with tyrosine, which is neutral and polar, at codon 224 of the SPAG1 protein (p.Asp224Tyr). This variant is present in population databases (rs749152324, gnomAD 0.009%). This variant has not been reported in the literature in individuals affected with SPAG1-related conditions. ClinVar contains an entry for this variant (Variation ID: 3703584). Invitae Evidence Modeling of protein sequence and biophysical properties (such as structural, functional, and spatial information, amino acid conservation, physicochemical variation, residue mobility, and thermodynamic stability) indicates that this missense variant is expected to disrupt SPAG1 protein function with a positive predictive value of 80%. In summary, the available evidence is currently insufficient to determine the role of this variant in disease. Therefore, it has been classified as a Variant of Uncertain Significance.